The following is an entry in ClinVar:

ClinVar aggregate classification (germline): Uncertain significance (1 of 4 stars; one submission).

Submission:

CeGaT Center for Human Genetics Tuebingen
Classification: Uncertain significance. Last evaluated: 2025-04-01. Review status: criteria provided, single submitter. Criteria: CeGaT Center For Human Genetics Tuebingen Variant Classification Criteria Version 2. Collection method: clinical testing. Allele origin: germline. Affected: yes. Observed: 1 variant allele.
Comment: SPG11: PM2, PM3:Supporting, PP3

NM_025137.4(SPG11):c.2620G>A (p.Glu874Lys)

Gene: SPG11 (SPG11 vesicle trafficking associated, spatacsin; minus strand). Cytogenetic location: 15q21.1.
Variant type: single nucleotide variant.
Coding change: c.2620G>A on transcript NM_025137.4 (MANE Select); coding-DNA position 2620, G replaced by A.
Protein change: p.Glu874Lys; replaces glutamic acid 874 with lysine.
Molecular consequence: missense variant.
Genome position (GRCh38, 1-based): chr15:44,621,759, C>T on the plus strand (G>A on the coding strand, the complement: SPG11 is on the minus strand). VCF-style: chr15-44621759-C-T. GRCh37 (hg19) VCF-style: chr15-44913957-C-T.
Other names: c.2620G>A, p.Glu874Lys (NM_001160227.2, NM_001411132.1); short protein forms E874K.
Identifiers: ClinVar variation 3898682 (VCV003898682.7).
Genomic context (GRCh38, chr15:44,621,759, plus strand): 5'-ATCAATACCCAATTTAATCCTCATTCAGTATGTTCATATTTCAGGCTCTCTCACACTTGC[C>T]TTCTGGACTTATCCTGGGGAGAAGGATGGATTCTTGTGTTAGTTGATCCCACCACAGAGC-3'
Protein context (NP_079413.3, residues 864-884): SILLPRISPE[Glu874Lys]YKSYSPEALW